The following is an entry in ClinVar:

ClinVar aggregate classification (germline): Uncertain significance (1 of 4 stars; one submission).

Allele frequency attached by ClinVar (database versions not stated): gnomAD exomes 0.00001; TOPMed 0.00001.
gnomAD v4.1: 3 of 1,581,128 alleles (0.00019%); highest among the groups gnomAD compares: Admixed American, 0.0019%; no homozygotes.

Submission:

Labcorp Genetics (formerly Invitae), Labcorp
Classification: Uncertain significance. Last evaluated: 2022-09-07. Review status: criteria provided, single submitter. Criteria: Invitae Variant Classification Sherloc (09022015). Collection method: clinical testing. Allele origin: germline.
Comment: This sequence change replaces phenylalanine, which is neutral and non-polar, with serine, which is neutral and polar, at codon 814 of the GUCY2C protein (p.Phe814Ser). This variant is present in population databases (no rsID available, gnomAD 0.004%). This variant has not been reported in the literature in individuals affected with GUCY2C-related conditions. Algorithms developed to predict the effect of missense changes on protein structure and function are either unavailable or do not agree on the potential impact of this missense change (SIFT: "Deleterious"; PolyPhen-2: "Benign"; Align-GVGD: "Class C0"). In summary, the available evidence is currently insufficient to determine the role of this variant in disease. Therefore, it has been classified as a Variant of Uncertain Significance.

NM_004963.4(GUCY2C):c.2441T>C (p.Phe814Ser)

Gene: GUCY2C (guanylate cyclase 2C; minus strand). Cytogenetic location: 12p12.3.
Variant type: single nucleotide variant.
Coding change: c.2441T>C on transcript NM_004963.4 (MANE Select); coding-DNA position 2441, T replaced by C.
Protein change: p.Phe814Ser; replaces phenylalanine 814 with serine.
Molecular consequence: missense variant.
Genome position (GRCh38, 1-based): chr12:14,622,165, A>G on the plus strand (T>C on the coding strand, the complement: GUCY2C is on the minus strand). VCF-style: chr12-14622165-A-G. GRCh37 (hg19) VCF-style: chr12-14775099-A-G.
Other names: short protein forms F814S.
Identifiers: ClinVar variation 1917310 (VCV001917310.5), dbSNP rs1343742542, ClinGen allele CA383995625.